The following is an entry in ClinVar:

ClinVar aggregate classification (germline): Pathogenic (1 of 4 stars; one submission).

Conditions:
Duchenne muscular dystrophy (DMD). Also called: Duchenne Muscular Dystrophy (DMD); MUSCULAR DYSTROPHY, PSEUDOHYPERTROPHIC PROGRESSIVE, DUCHENNE TYPE. Identifiers: Orphanet 98896, MedGen C0013264, MONDO:0010679, OMIM 310200.

Submission:

Labcorp Genetics (formerly Invitae), Labcorp
Classification: Pathogenic for Duchenne muscular dystrophy. Last evaluated: 2022-02-04. Review status: criteria provided, single submitter. Criteria: Invitae Variant Classification Sherloc (09022015). Collection method: clinical testing. Allele origin: germline.
Comment: This variant results in a copy number gain of the genomic region encompassing exon(s) 12-13 of the DMD gene. While the exact position of this variant cannot be determined from the data, sub-genic copy number gains are generally in tandem (PMID: 25640679). This variant is predicted to be out-of-frame, and may result in an absent or disrupted protein product. Loss-of-function variants in DMD are known to be pathogenic (PMID: 16770791, 25007885). A similar copy number variant has been observed in individuals with DMD-related conditions (PMID: 16917894, 25482253, 31705731, 33644936). For these reasons, this variant has been classified as Pathogenic.

Literature cited by the submitters: PubMed 25640679; PubMed 16770791; PubMed 25007885; PubMed 16917894; PubMed 25482253; PubMed 31705731; PubMed 33644936.

NC_000023.10:g.(?_32600728)_(32632590_?)dup

Gene: DMD (dystrophin; minus strand). Cytogenetic location: Xp21.1.
Variant type: Duplication.
Identifiers: ClinVar variation 2424950 (VCV002424950.4).